The following is an entry in ClinVar:

ClinVar aggregate classification (germline): Pathogenic/Likely pathogenic. Review status: criteria provided, multiple submitters, no conflicts (2 of 4 stars). 10 submissions from 10 submitters: Pathogenic (5); Likely pathogenic (3). 2 of the submissions do not count toward it. Last evaluated 2025-07-14.

Conditions:
Inborn genetic diseases. Identifiers: MedGen C0950123, MeSH D030342.
VPS33B-related disorder. Also called: VPS33B-related condition.
Arthrogryposis, renal dysfunction, and cholestasis 1 (ARCS1). Identifiers: Orphanet 2697, MedGen C1859722, MONDO:0008822, OMIM 208085.
Keratoderma-ichthyosis-deafness syndrome, autosomal recessive (KDIDAR). Identifiers: MedGen C5774200, MONDO:0859278, OMIM 620009.
Cholestasis, progressive familial intrahepatic, 12 (PFIC12). Also called: CHOLESTASIS, ISOLATED LOW-GGT. Identifiers: MedGen C5774311, MONDO:0031040, OMIM 620010.

Allele frequency attached by ClinVar (database versions not stated): gnomAD exomes 0.00001 and 0.00002; ExAC 0.00002; TOPMed 0.00002.

Submissions (10):

Labcorp Genetics (formerly Invitae), Labcorp
Classification: Pathogenic. Last evaluated: 2025-07-14. Review status: criteria provided, single submitter. Criteria: Invitae Variant Classification Sherloc (09022015). Collection method: clinical testing. Allele origin: germline.
Comment: This sequence change falls in intron 16 of the VPS33B gene. It does not directly change the encoded amino acid sequence of the VPS33B protein. It affects a nucleotide within the consensus splice site. This variant is present in population databases (rs398122407, gnomAD 0.01%). This variant has been observed in individual(s) with VPS33B-related conditions (PMID: 22753090, 26505894, 29907094, 31343487). In at least one individual the data is consistent with being in trans (on the opposite chromosome) from a pathogenic variant. ClinVar contains an entry for this variant (Variation ID: 88858). Variants that disrupt the consensus splice site are a relatively common cause of aberrant splicing (PMID: 17576681, 9536098). Algorithms developed to predict the effect of sequence changes on RNA splicing suggest that this variant may disrupt the consensus splice site. For these reasons, this variant has been classified as Pathogenic.

Ambry Genetics
Classification: Likely pathogenic for Inborn genetic diseases. Last evaluated: 2024-10-25. Review status: criteria provided, single submitter. Criteria: Ambry Variant Classification Scheme 2023. Collection method: clinical testing. Allele origin: germline.
Comment: The c.1225+5G>C intronic alteration results from a G to C substitution 5 nucleotides after coding exon 16 of the VPS33B gene. Based on data from gnomAD, the C allele has an overall frequency of 0.002% (5/251450) total alleles studied. The highest observed frequency was 0.012% (4/34590) of Latino alleles. This variant has been identified in conjunction with other VPS33B variants in individuals reported to have an attenuated clinical presentation including developmental delay, sensorineural hearing loss, renal dysfunction, nephrotic syndrome, knee contractures, rocker bottom feet, cholestasis, mild arthrogryposis, and other clinical features consistent with VPS33B-related arthrogryposis, renal dysfunction, and cholestasis syndrome; in at least one instance, the variants were identified in trans (Smith, 2012; Weyand, 2016; Rosales, 2018; Agawu, 2019; Duong, 2020). This nucleotide position is highly conserved in available vertebrate species. In silico splice site analysis predicts that this alteration will weaken the native splice donor site. Based on the available evidence, this alteration is classified as likely pathogenic.

Blueprint Genetics
Classification: Pathogenic for VPS33B-related disorders. Last evaluated: 2024-10-16. Review status: criteria provided, single submitter. Criteria: ACMG Guidelines, 2015. Collection method: clinical testing. Allele origin: germline. Affected: yes. Observed: 4 variant alleles.

GeneDx
Classification: Likely pathogenic. Last evaluated: 2024-08-02. Review status: criteria provided, single submitter. Criteria: GeneDx Variant Classification Process June 2021. Collection method: clinical testing. Allele origin: germline. Affected: yes.
Comment: RNA studies demonstrate a damaging effect: shortened protein length (PMID: 22753090); In silico analysis supports a deleterious effect on splicing; This variant is associated with the following publications: (PMID: 33029437, 22753090, 26505894, 31589614, 31343487, 31463586, 29907094, 31240160)

Fulgent Genetics
Classification: Pathogenic for Arthrogryposis, renal dysfunction, and cholestasis 1; Keratoderma-ichthyosis-deafness syndrome, autosomal recessive; Cholestasis, progressive familial intrahepatic, 12. Last evaluated: 2024-06-13. Review status: criteria provided, single submitter. Criteria: ACMG Guidelines, 2015. Collection method: clinical testing. Allele origin: germline.

Department of Pathology and Laboratory Medicine, Sinai Health System
Classification: Likely pathogenic for arthrogryposis, renal dysfunction, and cholestasis 1. Last evaluated: 2022-10-31. Review status: criteria provided, single submitter. Criteria: ACMG Guidelines, 2015. Collection method: research. Allele origin: germline.

Eurofins Ntd Llc (ga)
Classification: Pathogenic. Last evaluated: 2017-09-22. Review status: criteria provided, single submitter. Criteria: EGL Classification Definitions 2015. Collection method: clinical testing. Allele origin: germline. Observed: 2 variant alleles, 2 heterozygotes.

ISTH-SSC Genomics in Thrombosis and Hemostasis, KU Leuven, Center for Molecular and Vascular Biology
Classification: Pathogenic for Arthrogryposis, renal dysfunction, and cholestasis 1. Review status: criteria provided, single submitter. Criteria: ACMG Guidelines, 2015. Collection method: clinical testing. Allele origin: germline. Affected: yes. Observed: 1 homozygote.
Comment: Submitted to GoldVariant by Jose María Bastida and José Rivera; Grupo Español de Alteraciones Plaquetarias Congénitas (GEAPC)

PreventionGenetics, part of Exact Sciences
Classification: Pathogenic for VPS33B-related condition. Last evaluated: 2024-07-24. Review status: no assertion criteria provided. Collection method: clinical testing. Allele origin: germline. Not counted in ClinVar's aggregate classification.
Comment: The VPS33B c.1225+5G>C variant is predicted to interfere with splicing. This variant has been reported to be pathogenic for a mild arthrogryposis-renal dysfunction-cholestasis (ARC) phenotype (Smith et al. 2012. PubMed ID: 22753090; Rosales et al. 2018. PubMed ID: 29907094). A functional study showed that this splicing variant results in a truncated protein with partially reduced activity (Smith et al. 2012. PubMed ID: 22753090). This variant is reported in 0.012% of alleles in individuals of Latino descent in gnomAD. This variant has been classified as pathogenic or likely pathogenic by multiple independent submitters to the ClinVar database. Given all the evidence, we interpret c.1225+5G>C as pathogenic.

OMIM
Classification: Pathogenic for ARTHROGRYPOSIS, RENAL DYSFUNCTION, AND CHOLESTASIS 1. Last evaluated: 2012-12-01. Review status: no assertion criteria provided. Collection method: literature only. Allele origin: germline. Not counted in ClinVar's aggregate classification.

Literature cited by the submitters: PubMed 22753090 (cited by 3 submitters); PubMed 26505894 (cited by Labcorp Genetics (formerly Invitae), Labcorp and Ambry Genetics); PubMed 29907094 (cited by Labcorp Genetics (formerly Invitae), Labcorp and Ambry Genetics); PubMed 31343487 (cited by Labcorp Genetics (formerly Invitae), Labcorp and Ambry Genetics); PubMed 17576681 (cited by Labcorp Genetics (formerly Invitae), Labcorp); PubMed 9536098 (cited by Labcorp Genetics (formerly Invitae), Labcorp); PubMed 31463585 (cited by Ambry Genetics).

NM_018668.5(VPS33B):c.1225+5G>C

Gene: VPS33B (VPS33B late endosome and lysosome associated; minus strand). Cytogenetic location: 15q26.1.
Variant type: single nucleotide variant.
Coding change: c.1225+5G>C on transcript NM_018668.5 (MANE Select); 5 bases into the intron after coding-DNA position 1225, G replaced by C.
Molecular consequence: intron variant.
Genome position (GRCh38, 1-based): chr15:91,004,872, C>G on the plus strand (G>C on the coding strand, the complement: VPS33B is on the minus strand). VCF-style: chr15-91004872-C-G. GRCh37 (hg19) VCF-style: chr15-91548102-C-G.
Other names: IVS16DS, G-C, +5; c.1144+5G>C (NM_001289148.1); c.952+5G>C (NM_001289149.1); c.1225+5G>C (NM_018668.4).
Identifiers: ClinVar variation 88858 (VCV000088858.20), dbSNP rs398122407, ClinGen allele CA145382.